The following is an entry in ClinVar:

ClinVar aggregate classification (germline): Uncertain significance (1 of 4 stars; one submission).

Conditions:
Aortic valve disease 2 (AOVD2). Identifiers: MedGen C3542024, MONDO:0013902, OMIM 614823.

Submission:

Labcorp Genetics (formerly Invitae), Labcorp
Classification: Uncertain significance for Aortic valve disease 2. Last evaluated: 2022-09-12. Review status: criteria provided, single submitter. Criteria: Invitae Variant Classification Sherloc (09022015). Collection method: clinical testing. Allele origin: germline.
Comment: In summary, the available evidence is currently insufficient to determine the role of this variant in disease. Therefore, it has been classified as a Variant of Uncertain Significance. Algorithms developed to predict the effect of missense changes on protein structure and function (SIFT, PolyPhen-2, Align-GVGD) all suggest that this variant is likely to be disruptive. This variant has not been reported in the literature in individuals affected with SMAD6-related conditions. This variant is not present in population databases (gnomAD no frequency). This sequence change replaces tryptophan, which is neutral and slightly polar, with arginine, which is basic and polar, at codon 337 of the SMAD6 protein (p.Trp337Arg).

NM_005585.5(SMAD6):c.1009T>A (p.Trp337Arg)

Gene: SMAD6 (SMAD family member 6; plus strand). Cytogenetic location: 15q22.31.
Variant type: single nucleotide variant.
Coding change: c.1009T>A on transcript NM_005585.5 (MANE Select); coding-DNA position 1009, T replaced by A.
Protein change: p.Trp337Arg; replaces tryptophan 337 with arginine.
Molecular consequence: missense variant. On other transcripts: non-coding transcript variant (1).
Genome position (GRCh38, 1-based): chr15:66,781,053, T>A. VCF-style: chr15-66781053-T-A. GRCh37 (hg19) VCF-style: chr15-67073391-T-A.
Other names: short protein forms W337R.
Identifiers: ClinVar variation 1944590 (VCV001944590.5), dbSNP rs1403845620, ClinGen allele CA393201667.